The following is an entry in ClinVar:

NM_001384140.1(PCDH15):c.3592G>A (p.Glu1198Lys)

Gene: PCDH15 (protocadherin related 15; minus strand). Cytogenetic location: 10q21.1.
Variant type: single nucleotide variant.
Coding change: c.3592G>A on transcript NM_001384140.1 (MANE Select); coding-DNA position 3592, G replaced by A.
Protein change: p.Glu1198Lys; replaces glutamic acid 1198 with lysine.
Molecular consequence: missense variant.
Genome position (GRCh38, 1-based): chr10:53,866,767, C>T on the plus strand (G>A on the coding strand, the complement: PCDH15 is on the minus strand). VCF-style: chr10-53866767-C-T. GRCh37 (hg19) VCF-style: chr10-55626527-C-T.
Other names: c.3607G>A, p.Glu1203Lys (NM_001142763.2, NM_001142771.2); c.3592G>A, p.Glu1198Lys (NM_001142764.2, NM_001142766.2, NM_001142770.3 and 4 more transcripts); c.3379G>A, p.Glu1127Lys (NM_001142765.2); c.3481G>A, p.Glu1161Lys (NM_001142767.2); c.3526G>A, p.Glu1176Lys (NM_001142768.2, NM_001142773.2, NM_001354404.2); c.3628G>A, p.Glu1210Lys (NM_001142769.4); c.3613G>A, p.Glu1205Lys (NM_001354411.2); short protein forms E1176K, E1210K, E1198K, E1203K, E1127K, E1161K, E1205K.
Identifiers: ClinVar variation 953339 (VCV000953339.6), dbSNP rs781603185, ClinGen allele CA5505610.

ClinVar aggregate classification (germline): Uncertain significance. Review status: criteria provided, multiple submitters, no conflicts (2 of 4 stars). 3 submissions from 3 submitters: Uncertain significance (2). 1 of the submissions does not count toward it. Last evaluated 2025-09-04.

Conditions:
Usher syndrome type 1F (USH1F). Also called: USHER SYNDROME, TYPE IF. Identifiers: Orphanet 231169, Orphanet 886, MedGen C1865885, MONDO:0011186, OMIM 602083.
PCDH15-related disorder. Also called: PCDH15-related disorders; PCDH15-related condition.

Allele frequency attached by ClinVar (database versions not stated): ExAC 0.00001; gnomAD exomes 0.00001 and 0.00002; gnomAD 0.00005; TOPMed 0.00007.
gnomAD v4.1: 16 of 1,613,090 alleles (0.00099%); highest among the groups gnomAD compares: African/African-American, 0.021%; no homozygotes.

Submissions (3):

PreventionGenetics, part of Exact Sciences
Classification: Uncertain significance for PCDH15-related condition. Last evaluated: 2025-09-04. Review status: criteria provided, single submitter. Criteria: ACMG Guidelines, 2015. Collection method: clinical testing. Allele origin: germline.
Comment: The PCDH15 c.3592G>A variant is predicted to result in the amino acid substitution p.Glu1198Lys. To our knowledge, this variant has not been reported in the literature. This variant is reported in 0.028% of alleles in individuals of African descent in gnomAD. At this time, the clinical significance of this variant is uncertain due to the absence of conclusive functional and genetic evidence.

Labcorp Genetics (formerly Invitae), Labcorp
Classification: Uncertain significance. Last evaluated: 2022-09-01. Review status: criteria provided, single submitter. Criteria: Invitae Variant Classification Sherloc (09022015). Collection method: clinical testing. Allele origin: germline.
Comment: This sequence change replaces glutamic acid, which is acidic and polar, with lysine, which is basic and polar, at codon 1198 of the PCDH15 protein (p.Glu1198Lys). This variant is present in population databases (rs781603185, gnomAD 0.03%). This variant has not been reported in the literature in individuals affected with PCDH15-related conditions. ClinVar contains an entry for this variant (Variation ID: 953339). Algorithms developed to predict the effect of missense changes on protein structure and function (SIFT, PolyPhen-2, Align-GVGD) all suggest that this variant is likely to be disruptive. In summary, the available evidence is currently insufficient to determine the role of this variant in disease. Therefore, it has been classified as a Variant of Uncertain Significance.

Natera, Inc.
Classification: Uncertain significance for Usher syndrome type 1F. Last evaluated: 2020-08-19. Review status: no assertion criteria provided. Collection method: clinical testing. Allele origin: germline. Not counted in ClinVar's aggregate classification.